The following is an entry in ClinVar:

ClinVar aggregate classification (germline): Uncertain significance (1 of 4 stars; one submission).

Allele frequency attached by ClinVar (database versions not stated): ExAC 0.00001; gnomAD 0.00001; gnomAD exomes 0.00001; TOPMed 0.00002.

Submission:

Labcorp Genetics (formerly Invitae), Labcorp
Classification: Uncertain significance. Last evaluated: 2023-12-28. Review status: criteria provided, single submitter. Criteria: Invitae Variant Classification Sherloc (09022015). Collection method: clinical testing. Allele origin: germline.
Comment: This sequence change replaces glycine, which is neutral and non-polar, with serine, which is neutral and polar, at codon 135 of the NDUFB8 protein (p.Gly135Ser). This variant is present in population databases (rs770735541, gnomAD 0.006%). This variant has not been reported in the literature in individuals affected with NDUFB8-related conditions. ClinVar contains an entry for this variant (Variation ID: 1991425). Algorithms developed to predict the effect of missense changes on protein structure and function output the following: SIFT: "Not Available"; PolyPhen-2: "Possibly Damaging"; Align-GVGD: "Not Available". The serine amino acid residue is found in multiple mammalian species, which suggests that this missense change does not adversely affect protein function. In summary, the available evidence is currently insufficient to determine the role of this variant in disease. Therefore, it has been classified as a Variant of Uncertain Significance.

NM_005004.4(NDUFB8):c.403G>A (p.Gly135Ser)

Gene: NDUFB8 (NADH:ubiquinone oxidoreductase subunit B8; minus strand). Cytogenetic location: 10q24.31.
Variant type: single nucleotide variant.
Coding change: c.403G>A on transcript NM_005004.4 (MANE Select); coding-DNA position 403, G replaced by A.
Protein change: p.Gly135Ser; replaces glycine 135 with serine.
Molecular consequence: missense variant.
Genome position (GRCh38, 1-based): chr10:100,526,464, C>T on the plus strand (G>A on the coding strand, the complement: NDUFB8 is on the minus strand). VCF-style: chr10-100526464-C-T. GRCh37 (hg19) VCF-style: chr10-102286221-C-T.
Other names: c.403G>A, p.Gly135Ser (NM_001284367.2); c.310G>A, p.Gly104Ser (NM_001284368.1); short protein forms G135S, G104S.
Identifiers: ClinVar variation 1991425 (VCV001991425.4), dbSNP rs770735541, ClinGen allele CA5650154.